The following is an entry in ClinVar:

ClinVar aggregate classification (germline): Uncertain significance. Review status: criteria provided, multiple submitters, no conflicts (2 of 4 stars). 3 submissions from 3 submitters: Uncertain significance (3). Last evaluated 2024-12-27.

Allele frequency attached by ClinVar (database versions not stated): gnomAD 0.00001; TOPMed 0.00001; gnomAD exomes 0.00002; ESP Exome Variant Server 0.00008.
gnomAD v4.1: 37 of 1,614,046 alleles (0.0023%); highest among the groups gnomAD compares: Non-Finnish European, 0.0031%; no homozygotes.

Submissions (3):

Mayo Clinic Laboratories, Mayo Clinic
Classification: Uncertain significance. Last evaluated: 2024-12-27. Review status: criteria provided, single submitter. Criteria: ACMG Guidelines, 2015. Collection method: clinical testing. Allele origin: germline. Observed: 1 variant allele.
Comment: BP4

GeneDx
Classification: Uncertain significance. Last evaluated: 2024-02-27. Review status: criteria provided, single submitter. Criteria: GeneDx Variant Classification Process June 2021. Collection method: clinical testing. Allele origin: germline. Affected: yes.
Comment: Not observed at significant frequency in large population cohorts (gnomAD); In silico analysis supports that this missense variant has a deleterious effect on protein structure/function; Has not been previously published as pathogenic or benign to our knowledge

Labcorp Genetics (formerly Invitae), Labcorp
Classification: Uncertain significance. Last evaluated: 2023-06-21. Review status: criteria provided, single submitter. Criteria: Invitae Variant Classification Sherloc (09022015). Collection method: clinical testing. Allele origin: germline.
Comment: In summary, the available evidence is currently insufficient to determine the role of this variant in disease. Therefore, it has been classified as a Variant of Uncertain Significance. Advanced modeling of protein sequence and biophysical properties (such as structural, functional, and spatial information, amino acid conservation, physicochemical variation, residue mobility, and thermodynamic stability) performed at Invitae indicates that this missense variant is not expected to disrupt AFG3L2 protein function. This variant has not been reported in the literature in individuals affected with AFG3L2-related conditions. This variant is present in population databases (rs369272247, gnomAD 0.0009%). This sequence change replaces isoleucine, which is neutral and non-polar, with threonine, which is neutral and polar, at codon 303 of the AFG3L2 protein (p.Ile303Thr).

NM_006796.3(AFG3L2):c.908T>C (p.Ile303Thr)

Gene: AFG3L2 (AFG3 like matrix AAA peptidase subunit 2; minus strand). Cytogenetic location: 18p11.21.
Variant type: single nucleotide variant.
Coding change: c.908T>C on transcript NM_006796.3 (MANE Select); coding-DNA position 908, T replaced by C.
Protein change: p.Ile303Thr; replaces isoleucine 303 with threonine.
Molecular consequence: missense variant.
Genome position (GRCh38, 1-based): chr18:12,358,788, A>G on the plus strand (T>C on the coding strand, the complement: AFG3L2 is on the minus strand). VCF-style: chr18-12358788-A-G. GRCh37 (hg19) VCF-style: chr18-12358787-A-G.
Other names: p.Ile303Thr; short protein forms I303T.
Identifiers: ClinVar variation 2746078 (VCV002746078.5), dbSNP rs369272247, ClinGen allele CA296706654.